The following is an entry in ClinVar:

NM_006164.5(NFE2L2):c.1505G>A (p.Arg502His)

Gene: NFE2L2 (NFE2 like bZIP transcription factor 2; minus strand). Cytogenetic location: 2q31.2.
Variant type: single nucleotide variant.
Coding change: c.1505G>A on transcript NM_006164.5 (MANE Select); coding-DNA position 1505, G replaced by A.
Protein change: p.Arg502His; replaces arginine 502 with histidine.
Molecular consequence: missense variant.
Genome position (GRCh38, 1-based): chr2:177,231,098, C>T on the plus strand (G>A on the coding strand, the complement: NFE2L2 is on the minus strand). VCF-style: chr2-177231098-C-T. GRCh37 (hg19) VCF-style: chr2-178095826-C-T.
Other names: c.1436G>A, p.Arg479His (NM_001145413.3); c.1457G>A, p.Arg486His (NM_001145412.3, NM_001313900.1, NM_001313901.1); c.1415G>A, p.Arg472His (NM_001313902.2); c.1286G>A, p.Arg429His (NM_001313903.2); c.1205G>A, p.Arg402His (NM_001313904.1); short protein forms R402H, R429H, R472H, R479H, R486H, R502H.
Identifiers: ClinVar variation 4766888 (VCV004766888.1).

ClinVar aggregate classification (germline): Uncertain significance (1 of 4 stars; one submission).

gnomAD v4.1: 6 of 1,614,094 alleles (0.00037%); highest among the groups gnomAD compares: Admixed American, 0.0017%; no homozygotes.

Submission:

Labcorp Genetics (formerly Invitae), Labcorp
Classification: Uncertain significance. Last evaluated: 2026-01-03. Review status: criteria provided, single submitter. Criteria: Invitae Variant Classification Sherloc (09022015). Collection method: clinical testing. Allele origin: germline.
Comment: This sequence change replaces arginine, which is basic and polar, with histidine, which is basic and polar, at codon 502 of the NFE2L2 protein (p.Arg502His). This variant is present in population databases (no rsID available, gnomAD 0.003%). This variant has not been reported in the literature in individuals affected with NFE2L2-related conditions. Invitae Evidence Modeling of protein sequence and biophysical properties (such as structural, functional, and spatial information, amino acid conservation, physicochemical variation, residue mobility, and thermodynamic stability) indicates that this missense variant is expected to disrupt NFE2L2 protein function with a positive predictive value of 80%. In summary, the available evidence is currently insufficient to determine the role of this variant in disease. Therefore, it has been classified as a Variant of Uncertain Significance.